The following continues an entry in ClinVar:

NM_000169.3(GLA):c.352C>T (p.Arg118Cys)

ClinVar aggregate classification (germline): Conflicting classifications of pathogenicity. Uncertain significance (19); Likely benign (4).

Submissions 15 to 26 of 28:

Victorian Clinical Genetics Services, Murdoch Childrens Research Institute
Classification: Uncertain significance for Fabry disease. Last evaluated: 2022-03-31. Review status: criteria provided, single submitter. Criteria: ACMG Guidelines, 2015. Collection method: clinical testing. Allele origin: germline. Inheritance: X-linked recessive inheritance. Affected: yes.
Comment: Curated 19/3/2021: Based on the classification scheme VCGS_Germline_v1.3.4, this variant is classified as VUS - 3A. Following criteria are met: 0103 - Dominant negative and loss of function are known mechanisms of disease in this gene and are associated with Fabry disease (MIM#301500). Truncating variants in the last exon have been reported with a dominant negative mechanism, while those predicted to undergo nonsense mediated decay been reported with a loss of function mechanism. Missense variants have been reported with both aforementioned mechanisms. Gain of function has also been suggested, however more evidence is required (PMID: 8878432; PMID: 31613176). (I) 0109 - This gene is associated with X-linked disease. Both males and females have been reported with Fabry disease, though the latter are more rarely reported and tend to have milder disease (OMIM, PMID: 31613176). (I) 0200 - Variant is predicted to result in a missense amino acid change from arginine to cysteine. (I) 0251 - This variant is heterozygous. (I) 0302 - Variant is present in gnomAD (v3) <0.001 for a dominant condition (30 heterozygotes, 1 homozygote, 13 hemizygotes). (SP) 0309 - An alternative amino acid change at the same position has been observed in gnomAD (v3) (4 heterozygotes, 0 homozygotes, 1 hemizygote). (I) 0501 - Missense variant consistently predicted to be damaging by multiple in silico tools or highly conserved with a major amino acid change. (SP) 0600 - Variant is located in the annotated melibiase 2 domain (Pfam). (I) 0701 - Another missense variant comparable to the one identified in this case has inconclusive previous evidence for pathogenicity. p.(Arg118His) has previously been reported as a VUS in at least one publication (PMID 30477121). Alternative amino acid changes to serine, glycine, proline and leucine have not been reported in patients, however, were studied via site-directed mutagenesis and found to result in enzymatic activities ranging from 40-70% of wild-type, which is higher that 20% found for p.(Arg118Cys) (PMID: 23935525). (I) 0808 - Previous reports of pathogenicity for this variant are conflicting. This variant has been reported as a variant of uncertain significance (11x) and likely pathogenic (2x) in ClinVar. In the literature, it has been reported in both male and female patients, where the variant results in residual enzyme activities that is consistent with mild, late onset Fabry disease (PMID: 16773563; 20122163; 30569317; 31291414). However, the pathogenicity of this variant has been called into question by at least one publication by demonstrating that the variant does not segregate with Fabry disease (PMID: 25468652) and in another publication where a different variant in GLA was deemed to be causative of FD the family (PMID:28941980). Lukas et al (2013) refer to this variant's clinical phenotype as being a "variant phenotype" (PMID: 23935525). The "variant phenotype" is explained by Andrade et al (2008) as having a low level of residual alpha-galactosidase activity that protects patients from developing classic FD, however some patients may present with late onset end-organ failure (PMID: 18003767). (I) 1001 - This variant has strong functional evidence supporting abnormal protein function. In vitro functional studies of this variant showed a reduction of enzymatic actiivities ranging between 20-29% in 2 independent studies (PMID: 1677356; 23935525). (SP) Legend: (SP) - Supporting pathogenic, (I) - Information, (SB) - Supporting benign

MGZ Medical Genetics Center
Classification: Uncertain significance for Fabry disease. Last evaluated: 2022-01-18. Review status: criteria provided, single submitter. Criteria: ACMG Guidelines, 2015. Collection method: clinical testing. Allele origin: germline. Affected: yes. Observed: 1 variant allele.
Comment: ACMG criteria applied: PS3_MOD, PP3

Genome-Nilou Lab
Classification: Uncertain significance for Fabry disease. Last evaluated: 2021-07-15. Review status: criteria provided, single submitter. Criteria: ACMG Guidelines, 2015. Collection method: clinical testing. Allele origin: germline. Affected: no.

Broad Center for Mendelian Genomics, Broad Institute of MIT and Harvard
Classification: Uncertain significance for Fabry disease. Last evaluated: 2020-01-22. Review status: criteria provided, single submitter. Criteria: ACMG Guidelines, 2015. Collection method: curation. Allele origin: germline. Inheritance: X-linked inheritance.
Comment: The p.Arg118Cys variant in GLA has been reported in at least 11 individuals with Fabry disease (PMID: 28596458, 16773563, 20122163, 21890869, 22551898, 28299312, 28409012, 21946453, 20110537, 25468652, 24582695, 24661928, 18830871), and has been identified in 0.044% (41/92573) of European (non-Finnish) chromosomes, including 16 hemizygotes, by the Genome Aggregation Database (gnomAD; dbSNP rs148158093). This variant has also been reported in ClinVar as a VUS by the Laboratory for Molecular Medicine, GeneDx, Invitae, Ambry Genetics, GeneReviews, and the University of Washington Medical Center and as likely pathogenic by EGL Genetic Diagnostics (Variation ID: 42454). In vitro functional studies provide some evidence that the p.Arg118Cys variant may impact protein function (PMID: 23935525, 28646478, 16773563, 25468652, 20122163). However, these types of assays may not accurately represent biological function. Computational prediction tools and conservation analyses do not provide strong support for or against an impact to the protein. The phenotype of an individual hemizygous for this variant is highly specific for Fabry disease based on the classical phenotype consistent with the disease (PMID: 28596458, 16773563, 20122163, 21890869, 22551898, 28299312, 28409012, 21946453, 20110537, 25468652, 24582695, 24661928, 18830871). This variant was found in cis with another pathogenic variant, suggesting that it may not cause disease (PMID: 28941980) In summary, the clinical significance of the p.Arg118Cys variant is uncertain due to conflicting data. ACMG/AMP Criteria applied: BS1, PS3_moderate, PP4, BP2 (Richards 2015).

X-linked inheritance (primarily recessive with milder female expression)

CHEO Genetics Diagnostic Laboratory, Children's Hospital of Eastern Ontario
Classification: Uncertain significance for Cardiomyopathy. Last evaluated: 2019-08-15. Review status: criteria provided, single submitter. Criteria: ACMG Guidelines, 2015. Collection method: clinical testing. Allele origin: germline. Study: Canadian Open Genetics Repository.

Mendelics
Classification: Uncertain significance for Fabry disease. Last evaluated: 2019-05-28. Review status: criteria provided, single submitter. Criteria: Mendelics Assertion Criteria 2017. Collection method: clinical testing. Allele origin: unknown.

Centre for Mendelian Genomics, University Medical Centre Ljubljana
Classification: Uncertain significance for Fabry disease. Last evaluated: 2019-05-09. Review status: criteria provided, single submitter. Criteria: ACMG Guidelines, 2015. Collection method: clinical testing. Allele origin: unknown. Affected: yes.
Comment: This variant was classified as: Uncertain significance. The available evidence on this variant's pathogenicity is insufficient or conflicting. The following ACMG criteria were applied in classifying this variant: PP2,PP3,PP5,BP6. This variant was detected in hemizygous state.

Laboratory for Molecular Medicine, Mass General Brigham Personalized Medicine
Classification: Uncertain significance. Last evaluated: 2019-02-08. Review status: criteria provided, single submitter. Criteria: LMM Criteria. Collection method: clinical testing. Allele origin: germline. Observed: 4 variant alleles.
Comment: Variant classified as Uncertain Significance - Favor Benign. The p.Arg118Cys variant in GLA has been reported in 11 individuals with classic or late-onset Fabry disease and segregated with disease in at least 2 affected family members. This variant has also been identified in at least 2 individuals with reduced a-galactosidase activity, 6 individuals who had stroke, 1 individual who had MI, 1 individual with small fiber neuropathy, 1 individual with juvenile idiopathic arthritis, 4 individuals with LVH, 1 child with HCM, 2 infants with RCM and DCM, and 3 individuals with other phenotypes (Spada 2006, Gaspar 2010, Baptista 2010, Kiesling 2014, Genoni 2011, Morais 2008, Elliott 2011, Turaca 2012, Caetano 2014, Pasqualim 2014, Colon 2017, Barajas-Colon 2017, de Greef 2016, Goncalves 2017, Kilarski 2015, Schiffmann 2017, Samuelsson 2014, Ferreira 2015). However, this variant has also been reported in 7 asymptomatic family members, including 3 homozygous females, (Ferreira 2015) and did not segregate with cardiac phenotypes in 3 affected family members of 2 different families (Golbus 2014, LMM data). This variant has been reported in ClinVar (Variation ID 42454) and has been identified in 36/90523 of European chromosomes, including 14 hemizygotes, by the Genome Aggregation Database (gnomAD; dbSNP rs148158093). GLA activity in individuals carrying this variant was reduced, but did not reach levels associated with classic Fabry disease. Similarly, in vitro functional studies showed enzyme activity of 20-29% (Spada 2006, Lukas 2013). Computational prediction tools and conservation analysis suggest that the p.Arg118Cys variant may impact the protein, though this information is not predictive enough to determine pathogenicity. In summary, the clinical significance of the p.Arg118Cys variant is uncertain due to conflicting data. ACMG/AMP Criteria applied: PS4_M; PVS1_Moderate; PP1; PP3; BS4.

Center for Advanced Laboratory Medicine, UC San Diego Health, University of California San Diego
Classification: Uncertain significance for Cardiomyopathy. Last evaluated: 2019-01-22. Review status: criteria provided, single submitter. Criteria: ACMG Guidelines, 2015. Collection method: clinical testing. Allele origin: germline. Affected: yes. Observed: 1 variant allele.

Natera, Inc.
Classification: Uncertain significance for Fabry disease. Last evaluated: 2020-09-16. Review status: no assertion criteria provided. Collection method: clinical testing. Allele origin: germline. Not counted in ClinVar's aggregate classification.

Gharavi Laboratory, Columbia University
Classification: Likely benign. Last evaluated: 2018-09-16. Review status: no assertion criteria provided. Criteria: ACMG Guidelines, 2015. Collection method: research. Allele origin: germline. Affected: no. Not counted in ClinVar's aggregate classification.

CSER _CC_NCGL, University of Washington
Classification: Uncertain significance for Fabry disease. Last evaluated: 2016-08-01. Review status: no assertion criteria provided. Collection method: research. Allele origin: germline. Inheritance: X-linked inheritance. Study: CSER - NEXT Medicine variant annotation. Not counted in ClinVar's aggregate classification.